The following is an entry in ClinVar:

NM_153704.6(TMEM67):c.182C>T (p.Ser61Leu)

Gene: TMEM67 (transmembrane protein 67; plus strand). Cytogenetic location: 8q22.1.
Variant type: single nucleotide variant.
Coding change: c.182C>T on transcript NM_153704.6 (MANE Select); coding-DNA position 182, C replaced by T.
Protein change: p.Ser61Leu; replaces serine 61 with leucine.
Molecular consequence: missense variant. On other transcripts: 5 prime UTR variant (1), non-coding transcript variant (1).
Genome position (GRCh38, 1-based): chr8:93,755,096, C>T. VCF-style: chr8-93755096-C-T. GRCh37 (hg19) VCF-style: chr8-94767324-C-T.
Other names: c.-103C>T (NM_001142301.1); short protein forms S61L.
Identifiers: ClinVar variation 4999782 (VCV004999782.1).
Genomic context (GRCh38, chr8:93,755,096, plus strand): 5'-TCCCTTTCCAGCAGCCGGAGAAGTGCGACAACAACCAGTACTTTGATATCTCCGCCCTCT[C>T]GTGTGTTCCTTGTGGAGCTAACCAGAGGCAAGATGCCCGAGGTAAGACGGTTTGCGGTGG-3'
Protein context (NP_714915.3, residues 51-71): NNQYFDISAL[Ser61Leu]CVPCGANQRQ

ClinVar aggregate classification (germline): Uncertain significance (1 of 4 stars; one submission).

Conditions:
TMEM67-related disorder. Also called: TMEM67-related condition; TMEM67-related disorders. Identifiers: MedGen CN239423.

Submission:

PreventionGenetics, part of Exact Sciences
Classification: Uncertain significance for TMEM67-related condition. Last evaluated: 2025-02-07. Review status: criteria provided, single submitter. Criteria: ACMG Guidelines, 2015. Collection method: clinical testing. Allele origin: germline.
Comment: The TMEM67 c.182C>T variant is predicted to result in the amino acid substitution p.Ser61Leu. To our knowledge, this variant has not been reported in the literature or in a large population database (gnomAD), indicating this variant is rare. At this time, the clinical significance of this variant is uncertain due to the absence of conclusive functional and genetic evidence.